The following is an entry in ClinVar:

NM_000052.7(ATP7A):c.1148T>C (p.Ile383Thr)

Gene: ATP7A (ATPase copper transporting alpha; plus strand). Cytogenetic location: Xq21.1.
Variant type: single nucleotide variant.
Coding change: c.1148T>C on transcript NM_000052.7 (MANE Select); coding-DNA position 1148, T replaced by C.
Protein change: p.Ile383Thr; replaces isoleucine 383 with threonine.
Molecular consequence: missense variant.
Genome position (GRCh38, 1-based): chrX:77,989,770, T>C. VCF-style: chrX-77989770-T-C. GRCh37 (hg19) VCF-style: chrX-77245266-T-C.
Other names: c.1148T>C, p.Ile383Thr (NM_001282224.2); short protein forms I383T.
Identifiers: ClinVar variation 1717597 (VCV001717597.6), dbSNP rs2522294811, ClinGen allele CA413601917.

ClinVar aggregate classification (germline): Uncertain significance (1 of 4 stars; one submission).

Conditions:
X-linked distal spinal muscular atrophy type 3. Also called: SPINAL MUSCULAR ATROPHY, DISTAL, X-LINKED RECESSIVE; NEURONOPATHY, DISTAL HEREDITARY MOTOR, X-LINKED; NEUROPATHY, DISTAL HEREDITARY MOTOR, X-LINKED; ATP7A-Related Distal Motor Neuropathy. Identifiers: Orphanet 139557, MedGen C1845359, MONDO:0010338, OMIM 300489.
Menkes kinky-hair syndrome (MNK). Also called: Copper transport disease; Classic Menkes Disease; Menkes Disease. Identifiers: Orphanet 565, MedGen C0022716, MONDO:0010651, OMIM 309400.
Cutis laxa, X-linked (OHS). Also called: EDS IX; Occipital horn syndrome. Identifiers: Orphanet 198, MedGen C0268353, MONDO:0010572, OMIM 304150.

Allele frequency attached by ClinVar (database versions not stated): gnomAD exomes below 0.00001.
gnomAD v4.1: 1 of 1,211,444 alleles (0.000083%); highest among the groups gnomAD compares: Non-Finnish European, 0.00011%; no homozygotes.

Submission:

Labcorp Genetics (formerly Invitae), Labcorp
Classification: Uncertain significance for X-linked distal spinal muscular atrophy type 3; Cutis laxa, X-linked; Menkes kinky-hair syndrome. Last evaluated: 2022-08-22. Review status: criteria provided, single submitter. Criteria: Invitae Variant Classification Sherloc (09022015). Collection method: clinical testing. Allele origin: germline.
Comment: This variant has not been reported in the literature in individuals affected with ATP7A-related conditions. This sequence change replaces isoleucine, which is neutral and non-polar, with threonine, which is neutral and polar, at codon 383 of the ATP7A protein (p.Ile383Thr). This variant is not present in population databases (gnomAD no frequency). Advanced modeling of protein sequence and biophysical properties (such as structural, functional, and spatial information, amino acid conservation, physicochemical variation, residue mobility, and thermodynamic stability) performed at Invitae indicates that this missense variant is expected to disrupt ATP7A protein function. In summary, the available evidence is currently insufficient to determine the role of this variant in disease. Therefore, it has been classified as a Variant of Uncertain Significance.